The following is an entry in ClinVar:

NM_016032.4(ZDHHC9):c.83G>A (p.Arg28His)

Gene: ZDHHC9 (zDHHC palmitoyltransferase 9; minus strand). Cytogenetic location: Xq26.1.
Variant type: single nucleotide variant.
Coding change: c.83G>A on transcript NM_016032.4 (MANE Select); coding-DNA position 83, G replaced by A.
Protein change: p.Arg28His; replaces arginine 28 with histidine.
Molecular consequence: missense variant.
Genome position (GRCh38, 1-based): chrX:129,841,863, C>T on the plus strand (G>A on the coding strand, the complement: ZDHHC9 is on the minus strand). VCF-style: chrX-129841863-C-T. GRCh37 (hg19) VCF-style: chrX-128975839-C-T.
Other names: c.83G>A, p.Arg28His (NM_001008222.3); short protein forms R28H.
Identifiers: ClinVar variation 3661456 (VCV003661456.2).

ClinVar aggregate classification (germline): Uncertain significance (1 of 4 stars; one submission).

Conditions:
Intellectual developmental disorder, X-linked, syndromic, Raymond type. Also called: Syndromic X-linked intellectual disability Raymond type. Identifiers: MedGen C3275406, MONDO:0010427, OMIM 300799.

gnomAD v4.1: 4 of 1,211,654 alleles (0.00033%); highest among the groups gnomAD compares: African/African-American, 0.0017%; no homozygotes.

Submission:

Labcorp Genetics (formerly Invitae), Labcorp
Classification: Uncertain significance for Intellectual developmental disorder, X-linked, syndromic, Raymond type. Last evaluated: 2024-08-05. Review status: criteria provided, single submitter. Criteria: Invitae Variant Classification Sherloc (09022015). Collection method: clinical testing. Allele origin: germline.
Comment: This sequence change replaces arginine, which is basic and polar, with histidine, which is basic and polar, at codon 28 of the ZDHHC9 protein (p.Arg28His). This variant is present in population databases (no rsID available, gnomAD 0.001%). This variant has not been reported in the literature in individuals affected with ZDHHC9-related conditions. Advanced modeling of protein sequence and biophysical properties (such as structural, functional, and spatial information, amino acid conservation, physicochemical variation, residue mobility, and thermodynamic stability) performed at Invitae indicates that this missense variant is not expected to disrupt ZDHHC9 protein function with a negative predictive value of 80%. In summary, the available evidence is currently insufficient to determine the role of this variant in disease. Therefore, it has been classified as a Variant of Uncertain Significance.